The following is an entry in ClinVar:

NM_032608.7(MYO18B):c.4879C>T (p.Arg1627Cys)

Gene: MYO18B (myosin XVIIIB; plus strand). Cytogenetic location: 22q12.1.
Variant type: single nucleotide variant.
Coding change: c.4879C>T on transcript NM_032608.7 (MANE Select); coding-DNA position 4879, C replaced by T.
Protein change: p.Arg1627Cys; replaces arginine 1627 with cysteine.
Molecular consequence: missense variant.
Genome position (GRCh38, 1-based): chr22:25,902,668, C>T. VCF-style: chr22-25902668-C-T. GRCh37 (hg19) VCF-style: chr22-26298635-C-T.
Other names: c.4882C>T, p.Arg1628Cys (NM_001318245.2); short protein forms R1627C, R1628C.
Identifiers: ClinVar variation 1941868 (VCV001941868.3), dbSNP rs267606199, ClinGen allele CA10161015.

ClinVar aggregate classification (germline): Uncertain significance. Review status: criteria provided, multiple submitters, no conflicts (2 of 4 stars). 2 submissions from 2 submitters: Uncertain significance (2). Last evaluated 2025-08-26.

Conditions:
Inborn genetic diseases. Identifiers: MedGen C0950123, MeSH D030342.

Allele frequency attached by ClinVar (database versions not stated): gnomAD 0.00001; TOPMed 0.00002; gnomAD exomes 0.00003; ExAC 0.00005.
gnomAD v4.1: 48 of 1,600,296 alleles (0.003%); highest among the groups gnomAD compares: South Asian, 0.011%; no homozygotes.

Submissions (2):

Ambry Genetics
Classification: Uncertain significance for Inborn genetic diseases. Last evaluated: 2025-08-26. Review status: criteria provided, single submitter. Criteria: Ambry Variant Classification Scheme 2023. Collection method: clinical testing. Allele origin: germline.

Labcorp Genetics (formerly Invitae), Labcorp
Classification: Uncertain significance. Last evaluated: 2022-08-08. Review status: criteria provided, single submitter. Criteria: Invitae Variant Classification Sherloc (09022015). Collection method: clinical testing. Allele origin: germline.
Comment: This sequence change replaces arginine, which is basic and polar, with cysteine, which is neutral and slightly polar, at codon 1627 of the MYO18B protein (p.Arg1627Cys). This variant is present in population databases (rs267606199, gnomAD 0.01%). This variant has not been reported in the literature in individuals affected with MYO18B-related conditions. Algorithms developed to predict the effect of missense changes on protein structure and function are either unavailable or do not agree on the potential impact of this missense change (SIFT: "Not Available"; PolyPhen-2: "Probably Damaging"; Align-GVGD: "Not Available"). In summary, the available evidence is currently insufficient to determine the role of this variant in disease. Therefore, it has been classified as a Variant of Uncertain Significance.